The following is an entry in ClinVar:

ClinVar aggregate classification (germline): Uncertain significance (1 of 4 stars; one submission).

gnomAD v4.1: 9 of 1,607,876 alleles (0.00056%); highest among the groups gnomAD compares: African/African-American, 0.0094%; no homozygotes.

Submission:

GeneDx
Classification: Uncertain significance. Last evaluated: 2024-12-03. Review status: criteria provided, single submitter. Criteria: GeneDx Variant Classification Process June 2021. Collection method: clinical testing. Allele origin: germline. Affected: yes.
Comment: Has not been previously published as pathogenic or benign to our knowledge

NM_001130823.3(DNMT1):c.-1G>A

Gene: DNMT1 (DNA methyltransferase 1; minus strand). Cytogenetic location: 19p13.2.
Variant type: single nucleotide variant.
Coding change: c.-1G>A on transcript NM_001130823.3 (MANE Select); 1 bases upstream of the start codon, G replaced by A.
Molecular consequence: 5 prime UTR variant.
Genome position (GRCh38, 1-based): chr19:10,194,900, C>T on the plus strand (G>A on the coding strand, the complement: DNMT1 is on the minus strand). VCF-style: chr19-10194900-C-T. GRCh37 (hg19) VCF-style: chr19-10305576-C-T.
Other names: c.-1G>A (NM_001318730.2, NM_001379.4); c.-324G>A (NM_001318731.2).
Identifiers: ClinVar variation 3901590 (VCV003901590.1).